The following is an entry in ClinVar:

ClinVar aggregate classification (germline): Conflicting classifications of pathogenicity. Review status: criteria provided, conflicting classifications (1 of 4 stars). 2 submissions from 2 submitters: Uncertain significance (1); Benign (1). Last evaluated 2026-01-26.

Conditions:
Nemaline myopathy 2 (NEM2). Also called: Nemaline myopathy 2, autosomal recessive. Identifiers: MedGen C1850569, MONDO:0009725, OMIM 256030.

Allele frequency attached by ClinVar (database versions not stated): ExAC 0.00003; ESP Exome Variant Server 0.00008.
gnomAD v4.1: 22 of 1,612,858 alleles (0.0014%); highest among the groups gnomAD compares: African/African-American, 0.02%; no homozygotes.

Submissions (2):

Labcorp Genetics (formerly Invitae), Labcorp
Classification: Benign for Nemaline myopathy 2. Last evaluated: 2026-01-26. Review status: criteria provided, single submitter. Criteria: Invitae Variant Classification Sherloc (09022015). Collection method: clinical testing. Allele origin: germline.

GeneDx
Classification: Uncertain significance. Last evaluated: 2024-12-05. Review status: criteria provided, single submitter. Criteria: GeneDx Variant Classification Process June 2021. Collection method: clinical testing. Allele origin: germline. Affected: yes.
Comment: In silico analysis indicates that this missense variant does not alter protein structure/function; Has not been previously published as pathogenic or benign to our knowledge

NM_001164508.2(NEB):c.5276C>T (p.Thr1759Ile)

Gene: NEB (nebulin; minus strand). Cytogenetic location: 2q23.3.
Variant type: single nucleotide variant.
Coding change: c.5276C>T on transcript NM_001164508.2 (MANE Select); coding-DNA position 5276, C replaced by T.
Protein change: p.Thr1759Ile; replaces threonine 1759 with isoleucine.
Molecular consequence: missense variant.
Genome position (GRCh38, 1-based): chr2:151,664,826, G>A on the plus strand (C>T on the coding strand, the complement: NEB is on the minus strand). VCF-style: chr2-151664826-G-A. GRCh37 (hg19) VCF-style: chr2-152521340-G-A.
Other names: c.5276C>T, p.Thr1759Ile (NM_001164507.2, NM_001271208.2, NM_004543.5); short protein forms T1759I.
Identifiers: ClinVar variation 2912027 (VCV002912027.4), dbSNP rs373721189, ClinGen allele CA1910404.